The following is an entry in ClinVar:

ClinVar aggregate classification (germline): Pathogenic (1 of 4 stars; one submission).

gnomAD v4.1: 14 of 1,614,122 alleles (0.00087%); highest among the groups gnomAD compares: African/African-American, 0.0013%; no homozygotes.

Submission:

Labcorp Genetics (formerly Invitae), Labcorp
Classification: Pathogenic. Last evaluated: 2024-04-29. Review status: criteria provided, single submitter. Criteria: Invitae Variant Classification Sherloc (09022015). Collection method: clinical testing. Allele origin: germline.
Comment: This sequence change creates a premature translational stop signal (p.Ser1771*) in the RP1 gene. While this is not anticipated to result in nonsense mediated decay, it is expected to disrupt the last 386 amino acid(s) of the RP1 protein. This variant is present in population databases (rs757143217, gnomAD 0.0009%). This variant has not been reported in the literature in individuals affected with RP1-related conditions. This variant disrupts a region of the RP1 protein in which other variant(s) (p.Ile2061Serfs*12) have been determined to be pathogenic (PMID: 29425069, 30027431; Invitae). This suggests that this is a clinically significant region of the protein, and that variants that disrupt it are likely to be disease-causing. For these reasons, this variant has been classified as Pathogenic.

Literature cited by the submitters: PubMed 29425069; PubMed 30027431.

NM_006269.2(RP1):c.5312C>G (p.Ser1771Ter)

Genes: RP1 (RP1 axonemal microtubule associated; plus strand), LOC126860392 (CDK7 strongly-dependent group 2 enhancer GRCh37_chr8:55541319-55542518; plus strand). Cytogenetic location: 8q12.1.
Variant type: single nucleotide variant.
Coding change: c.5312C>G on transcript NM_006269.2 (MANE Select); coding-DNA position 5312, C replaced by G.
Protein change: p.Ser1771Ter; replaces serine 1771 with a stop codon.
Molecular consequence: nonsense. On other transcripts: intron variant (1).
Genome position (GRCh38, 1-based): chr8:54,629,194, C>G. VCF-style: chr8-54629194-C-G. GRCh37 (hg19) VCF-style: chr8-55541754-C-G.
Other names: c.787+6906C>G (NM_001375654.1); short protein forms S1771*.
Identifiers: ClinVar variation 3671829 (VCV003671829.2).